The following is an entry in ClinVar:

ClinVar aggregate classification (germline): Likely benign. Review status: criteria provided, multiple submitters, no conflicts (2 of 4 stars). 2 submissions from 2 submitters: Likely benign (2). Last evaluated 2026-05-01.

Allele frequency attached by ClinVar (database versions not stated): TOPMed 0.00001.
gnomAD v4.1: 3 of 1,613,710 alleles (0.00019%); highest among the groups gnomAD compares: East Asian, 0.0022%; no homozygotes.

Submissions (2):

CeGaT Center for Human Genetics Tuebingen
Classification: Likely benign. Last evaluated: 2026-05-01. Review status: criteria provided, single submitter. Criteria: CeGaT Center For Human Genetics Tuebingen Variant Classification Criteria Version 2. Collection method: clinical testing. Allele origin: germline. Affected: yes. Observed: 1 variant allele.
Comment: RHOBTB2: BP4, BP7

Labcorp Genetics (formerly Invitae), Labcorp
Classification: Likely benign. Last evaluated: 2023-06-27. Review status: criteria provided, single submitter. Criteria: Invitae Variant Classification Sherloc (09022015). Collection method: clinical testing. Allele origin: germline.

NM_015178.3(RHOBTB2):c.1050C>T (p.Ser350=)

Gene: RHOBTB2 (Rho related BTB domain containing 2; plus strand). Cytogenetic location: 8p21.3.
Variant type: single nucleotide variant.
Coding change: c.1050C>T on transcript NM_015178.3 (MANE Select); coding-DNA position 1050, C replaced by T.
Protein change: p.Ser350=; no amino-acid change (serine 350 retained).
Molecular consequence: synonymous variant.
Genome position (GRCh38, 1-based): chr8:23,007,295, C>T. VCF-style: chr8-23007295-C-T. GRCh37 (hg19) VCF-style: chr8-22864808-C-T.
Other names: c.1050C>T, p.Ser350= (NM_001374791.1); c.1116C>T, p.Ser372= (NM_001160036.2); c.1071C>T, p.Ser357= (NM_001160037.2).
Identifiers: ClinVar variation 2977321 (VCV002977321.5), dbSNP rs751137238, ClinGen allele CA460177946.